The following is an entry in ClinVar:

ClinVar aggregate classification (germline): Uncertain significance (1 of 4 stars; one submission).

Allele frequency attached by ClinVar (database versions not stated): gnomAD exomes below 0.00001.
gnomAD v4.1: 2 of 1,603,832 alleles (0.00012%); highest among the groups gnomAD compares: South Asian, 0.0011%; no homozygotes.

Submission:

Labcorp Genetics (formerly Invitae), Labcorp
Classification: Uncertain significance. Last evaluated: 2022-08-24. Review status: criteria provided, single submitter. Criteria: Invitae Variant Classification Sherloc (09022015). Collection method: clinical testing. Allele origin: germline.
Comment: In summary, the available evidence is currently insufficient to determine the role of this variant in disease. Therefore, it has been classified as a Variant of Uncertain Significance. Algorithms developed to predict the effect of missense changes on protein structure and function (SIFT, PolyPhen-2, Align-GVGD) all suggest that this variant is likely to be disruptive. This variant has not been reported in the literature in individuals affected with ADAMTS13-related conditions. This variant is not present in population databases (gnomAD no frequency). This sequence change replaces glycine, which is neutral and non-polar, with serine, which is neutral and polar, at codon 1091 of the ADAMTS13 protein (p.Gly1091Ser).

NM_139027.6(ADAMTS13):c.3271G>A (p.Gly1091Ser)

Gene: ADAMTS13 (ADAM metallopeptidase with thrombospondin type 1 motif 13; plus strand). Cytogenetic location: 9q34.2.
Variant type: single nucleotide variant.
Coding change: c.3271G>A on transcript NM_139027.6 (MANE Select); coding-DNA position 3271, G replaced by A.
Protein change: p.Gly1091Ser; replaces glycine 1091 with serine.
Molecular consequence: missense variant. On other transcripts: non-coding transcript variant (1).
Genome position (GRCh38, 1-based): chr9:133,455,306, G>A. VCF-style: chr9-133455306-G-A. GRCh37 (hg19) VCF-style: chr9-136320428-G-A.
Other names: c.3271G>A, p.Gly1091Ser (NM_139025.5); c.3178G>A, p.Gly1060Ser (NM_139026.6); short protein forms G1060S, G1091S.
Identifiers: ClinVar variation 1937020 (VCV001937020.5), dbSNP rs2490477590, ClinGen allele CA375411419.